The following is an entry in ClinVar:

NM_000379.4(XDH):c.453A>G (p.Thr151=)

Gene: XDH (xanthine dehydrogenase; minus strand). Cytogenetic location: 2p23.1.
Variant type: single nucleotide variant.
Coding change: c.453A>G on transcript NM_000379.4 (MANE Select); coding-DNA position 453, A replaced by G.
Protein change: p.Thr151=; no amino-acid change (threonine 151 retained).
Molecular consequence: synonymous variant.
Genome position (GRCh38, 1-based): chr2:31,397,710, T>C on the plus strand (A>G on the coding strand, the complement: XDH is on the minus strand). VCF-style: chr2-31397710-T-C. GRCh37 (hg19) VCF-style: chr2-31620576-T-C.
Identifiers: ClinVar variation 3350207 (VCV003350207.1).

ClinVar aggregate classification (germline): Likely benign (0 of 4 stars; one submission).

Conditions:
XDH-related disorder. Also called: XDH-related condition.

gnomAD v4.1: 1 of 1,614,166 alleles (0.000062%); no homozygotes.

Submission:

PreventionGenetics, part of Exact Sciences
Classification: Likely benign for XDH-related condition. Last evaluated: 2024-03-07. Review status: no assertion criteria provided. Collection method: clinical testing. Allele origin: germline.
Comment: This variant is classified as likely benign based on ACMG/AMP sequence variant interpretation guidelines (Richards et al. 2015 PMID: 25741868, with internal and published modifications).